The following is an entry in ClinVar:

ClinVar aggregate classification (germline): Uncertain significance. Review status: criteria provided, multiple submitters, no conflicts (2 of 4 stars). 3 submissions from 3 submitters: Uncertain significance (3). Last evaluated 2024-04-10.

Conditions:
CHIME syndrome (CHIME). Also called: GLYCOSYLPHOSPHATIDYLINOSITOL BIOSYNTHESIS DEFECT 5; COLOBOMA, CONGENITAL HEART DISEASE, ICHTHYOSIFORM DERMATOSIS, IMPAIRED INTELLECTUAL DEVELOPMENT, AND EAR ANOMALIES SYNDROME. Identifiers: Orphanet 3474, MedGen C1848392, MONDO:0010221, OMIM 280000.
Inborn genetic diseases. Identifiers: MedGen C0950123, MeSH D030342.

Allele frequency attached by ClinVar (database versions not stated): ExAC 0.00004; gnomAD exomes 0.00004; gnomAD 0.00005; TOPMed 0.00006; ESP Exome Variant Server 0.00008; 1000 Genomes Project 30x 0.00016; 1000 Genomes Project 0.00020.
gnomAD v4.1: 65 of 1,614,118 alleles (0.004%); highest among the groups gnomAD compares: Admixed American, 0.0083%; no homozygotes.

Submissions (3):

Fulgent Genetics
Classification: Uncertain significance for CHIME syndrome. Last evaluated: 2024-04-10. Review status: criteria provided, single submitter. Criteria: ACMG Guidelines, 2015. Collection method: clinical testing. Allele origin: germline.

Ambry Genetics
Classification: Uncertain significance for Inborn genetic diseases. Last evaluated: 2024-03-07. Review status: criteria provided, single submitter. Criteria: Ambry Variant Classification Scheme 2023. Collection method: clinical testing. Allele origin: germline.

Labcorp Genetics (formerly Invitae), Labcorp
Classification: Uncertain significance. Last evaluated: 2023-04-01. Review status: criteria provided, single submitter. Criteria: Invitae Variant Classification Sherloc (09022015). Collection method: clinical testing. Allele origin: germline.
Comment: In summary, the available evidence is currently insufficient to determine the role of this variant in disease. Therefore, it has been classified as a Variant of Uncertain Significance. Advanced modeling of protein sequence and biophysical properties (such as structural, functional, and spatial information, amino acid conservation, physicochemical variation, residue mobility, and thermodynamic stability) performed at Invitae indicates that this missense variant is not expected to disrupt PIGL protein function. This variant has not been reported in the literature in individuals affected with PIGL-related conditions. This variant is present in population databases (rs186275035, gnomAD 0.008%). This sequence change replaces proline, which is neutral and non-polar, with leucine, which is neutral and non-polar, at codon 198 of the PIGL protein (p.Pro198Leu).

NM_004278.4(PIGL):c.593C>T (p.Pro198Leu)

Gene: PIGL (phosphatidylinositol glycan anchor biosynthesis class L; plus strand). Cytogenetic location: 17p11.2.
Variant type: single nucleotide variant.
Coding change: c.593C>T on transcript NM_004278.4 (MANE Select); coding-DNA position 593, C replaced by T.
Protein change: p.Pro198Leu; replaces proline 198 with leucine.
Molecular consequence: missense variant. On other transcripts: synonymous variant (1).
Genome position (GRCh38, 1-based): chr17:16,317,841, C>T. VCF-style: chr17-16317841-C-T. GRCh37 (hg19) VCF-style: chr17-16221155-C-T.
Other names: c.561C>T, p.Ala187= (NM_001411072.1); c.593C>T (NM_004278.3); short protein forms P198L.
Identifiers: ClinVar variation 2895356 (VCV002895356.5), dbSNP rs186275035, ClinGen allele CA8409994.